The following is an entry in ClinVar:

ClinVar aggregate classification (germline): Uncertain significance. Review status: criteria provided, multiple submitters, no conflicts (2 of 4 stars). 2 submissions from 2 submitters: Uncertain significance (2). Last evaluated 2023-08-17.

Allele frequency attached by ClinVar (database versions not stated): gnomAD exomes 0.00001; TOPMed 0.00001; ExAC 0.00002.

Submissions (2):

Labcorp Genetics (formerly Invitae), Labcorp
Classification: Uncertain significance. Last evaluated: 2023-08-17. Review status: criteria provided, single submitter. Criteria: Invitae Variant Classification Sherloc (09022015). Collection method: clinical testing. Allele origin: germline.
Comment: In summary, the available evidence is currently insufficient to determine the role of this variant in disease. Therefore, it has been classified as a Variant of Uncertain Significance. Experimental studies and prediction algorithms are not available or were not evaluated, and the functional significance of this variant is currently unknown. ClinVar contains an entry for this variant (Variation ID: 1919974). This variant has not been reported in the literature in individuals affected with LRIT3-related conditions. This variant is present in population databases (rs761583843, gnomAD 0.003%). This sequence change creates a premature translational stop signal (p.Trp504*) in the LRIT3 gene. While this is not anticipated to result in nonsense mediated decay, it is expected to disrupt the last 176 amino acid(s) of the LRIT3 protein.

Blueprint Genetics
Classification: Uncertain significance. Last evaluated: 2022-03-06. Review status: criteria provided, single submitter. Criteria: ACMG Guidelines, 2015. Collection method: clinical testing. Allele origin: germline.

NM_198506.5(LRIT3):c.1511G>A (p.Trp504Ter)

Gene: LRIT3 (leucine rich repeat, Ig-like and transmembrane domains 3; plus strand). Cytogenetic location: 4q25.
Variant type: single nucleotide variant.
Coding change: c.1511G>A on transcript NM_198506.5 (MANE Select); coding-DNA position 1511, G replaced by A.
Protein change: p.Trp504Ter; replaces tryptophan 504 with a stop codon.
Molecular consequence: nonsense.
Genome position (GRCh38, 1-based): chr4:109,870,260, G>A. VCF-style: chr4-109870260-G-A. GRCh37 (hg19) VCF-style: chr4-110791416-G-A.
Other names: short protein forms W504*.
Identifiers: ClinVar variation 1919974 (VCV001919974.6), dbSNP rs761583843, ClinGen allele CA3043204.